The following is an entry in ClinVar:

ClinVar aggregate classification (germline): Benign/Likely benign. Review status: criteria provided, multiple submitters, no conflicts (2 of 4 stars). 7 submissions from 6 submitters: Benign (1); Likely benign (5). 1 of the submissions does not count toward it. Last evaluated 2026-06-01.

Conditions:
LAMA3-related disorder. Also called: LAMA3-related condition; LAMA3-related disorders.
Laryngo-onycho-cutaneous syndrome (JEB2C). Also called: EPIDERMOLYSIS BULLOSA, JUNCTIONAL 2C, LARYNGOONYCHOCUTANEOUS; SHABBIR SYNDROME; LOGIC SYNDROME. Identifiers: Orphanet 2407, MedGen C1328355, MONDO:0009513, OMIM 245660.
Junctional epidermolysis bullosa gravis of Herlitz. Also called: EPIDERMOLYSIS BULLOSA JUNCTIONALIS, HERLITZ TYPE; EPIDERMOLYSIS BULLOSA, JUNCTIONAL, HERLITZ-PEARSON TYPE; EPIDERMOLYSIS BULLOSA, JUNCTIONAL 1B, SEVERE; JEB-HERLITZ TYPE; Herlitz-type junctional epidermolysis bullosa; Epidermolysis Bullosa Letalis. Identifiers: Orphanet 79404, MedGen C0079683, MONDO:0009182, OMIM 226700.

Allele frequency attached by ClinVar (database versions not stated): gnomAD exomes 0.00023 and 0.00065; ExAC 0.00088; gnomAD 0.00246 and 0.00264; ESP Exome Variant Server 0.00261; TOPMed 0.00263; 1000 Genomes Project 0.00300; 1000 Genomes Project 30x 0.00406.
gnomAD v4.1: 751 of 1,614,120 alleles (0.047%); highest among the groups gnomAD compares: African/African-American, 0.84%; 5 homozygotes.

Submissions (7):

CeGaT Center for Human Genetics Tuebingen
Classification: Likely benign. Last evaluated: 2026-06-01. Review status: criteria provided, single submitter. Criteria: CeGaT Center For Human Genetics Tuebingen Variant Classification Criteria Version 2. Collection method: clinical testing. Allele origin: germline. Affected: yes. Observed: 2 variant alleles.
Comment: LAMA3: BP4, BS2

Labcorp Genetics (formerly Invitae), Labcorp
Classification: Benign. Last evaluated: 2026-01-26. Review status: criteria provided, single submitter. Criteria: Invitae Variant Classification Sherloc (09022015). Collection method: clinical testing. Allele origin: germline.

Blueprint Genetics
Classification: Likely benign. Last evaluated: 2024-11-20. Review status: criteria provided, single submitter. Criteria: ACMG Guidelines, 2015. Collection method: clinical testing. Allele origin: germline.

Illumina Laboratory Services, Illumina
Classification: Likely benign for Junctional epidermolysis bullosa gravis of Herlitz. Last evaluated: 2018-01-12. Review status: criteria provided, single submitter. Criteria: ICSL Variant Classification Criteria 13 December 2019. Collection method: clinical testing. Allele origin: germline.
Comment: This variant was observed in the ICSL laboratory as part of a predisposition screen in an ostensibly healthy population. It had not been previously curated by ICSL or reported in the Human Gene Mutation Database (HGMD: prior to June 1st, 2018), and was therefore a candidate for classification through an automated scoring system. Utilizing variant allele frequency, disease prevalence and penetrance estimates, and inheritance mode, an automated score was calculated to assess if this variant is too frequent to cause the disease. Based on the score and internal cut-off values, a variant classified as likely benign is not then subjected to further curation. The score for this variant resulted in a classification of likely benign for this disease.

Illumina Laboratory Services, Illumina
Classification: Likely benign for Laryngo-onycho-cutaneous syndrome. Last evaluated: 2018-01-12. Review status: criteria provided, single submitter. Criteria: ICSL Variant Classification Criteria 13 December 2019. Collection method: clinical testing. Allele origin: germline.
Comment: the same text as in the submission from Illumina Laboratory Services, Illumina above.

Breakthrough Genomics
Classification: Likely benign. Review status: criteria provided, single submitter. Criteria: ACMG Guidelines, 2015. Collection method: not provided. Allele origin: germline. Inheritance: Autosomal recessive inheritance. Affected: yes.

PreventionGenetics, part of Exact Sciences
Classification: Benign for LAMA3-related condition. Last evaluated: 2019-12-12. Review status: no assertion criteria provided. Collection method: clinical testing. Allele origin: germline. Not counted in ClinVar's aggregate classification.
Comment: This variant is classified as benign based on ACMG/AMP sequence variant interpretation guidelines (Richards et al. 2015 PMID: 25741868, with internal and published modifications).

NM_198129.4(LAMA3):c.8629C>T (p.His2877Tyr)

Gene: LAMA3 (laminin subunit alpha 3; plus strand). Cytogenetic location: 18q11.2.
Variant type: single nucleotide variant.
Coding change: c.8629C>T on transcript NM_198129.4 (MANE Select); coding-DNA position 8629, C replaced by T.
Protein change: p.His2877Tyr; replaces histidine 2877 with tyrosine.
Molecular consequence: missense variant.
Genome position (GRCh38, 1-based): chr18:23,932,212, C>T. VCF-style: chr18-23932212-C-T. GRCh37 (hg19) VCF-style: chr18-21512176-C-T.
Other names: c.3802C>T, p.His1268Tyr (NM_000227.6); c.8461C>T, p.His2821Tyr (NM_001127717.4); c.3634C>T, p.His1212Tyr (NM_001127718.4); short protein forms H2877Y, H1268Y, H1212Y, H2821Y.
Identifiers: ClinVar variation 326335 (VCV000326335.49), dbSNP rs35153125, ClinGen allele CA8916976.